The following is an entry in ClinVar:

ClinVar aggregate classification (germline): Uncertain significance. Review status: criteria provided, multiple submitters, no conflicts (2 of 4 stars). 3 submissions from 3 submitters: Uncertain significance (3). Last evaluated 2025-09-25.

Conditions:
Epidermolysis bullosa simplex 5B, with muscular dystrophy (EBS5B). Also called: Epidermolysis bullosa simplex with muscular dystrophy; EPIDERMOLYSIS BULLOSA SIMPLEX AND LIMB-GIRDLE MUSCULAR DYSTROPHY. Identifiers: Orphanet 257, MedGen C2931072, MONDO:0009181, OMIM 226670.
Epidermolysis bullosa simplex, Ogna type (EBS5A). Also called: Pidermolysis bullosa simplex 5A, Ogna type; EPIDERMOLYSIS BULLOSA SIMPLEX 5A, OGNA TYPE. Identifiers: Orphanet 79401, MedGen C0432317, MONDO:0007555, OMIM 131950.
Epidermolysis bullosa simplex with nail dystrophy (EBS5D). Identifiers: MedGen C4225309, MONDO:0014661, OMIM 616487.
Autosomal recessive limb-girdle muscular dystrophy type 2Q (LGMDR17). Also called: MUSCULAR DYSTROPHY, LIMB-GIRDLE, AUTOSOMAL RECESSIVE 17. Identifiers: Orphanet 254361, MedGen C3150989, MONDO:0013390, OMIM 613723.
Epidermolysis bullosa simplex 5C, with pyloric atresia (EBS5C). Also called: PLEC-Related Epidermolysis Bullosa with Pyloric Atresia; Epidermolysis bullosa simplex with pyloric atresia; PLEC1-Related Epidermolysis Bullosa with Pyloric Atresia. Identifiers: Orphanet 158684, MedGen C2677349, MONDO:0012807, OMIM 612138.

Allele frequency attached by ClinVar (database versions not stated): TOPMed 0.00005; gnomAD 0.00006; gnomAD exomes 0.00010 and 0.00015; ExAC 0.00016.
gnomAD v4.1: 227 of 1,604,696 alleles (0.014%); highest among the groups gnomAD compares: East Asian, 0.027%; no homozygotes.

Submissions (3):

Labcorp Genetics (formerly Invitae), Labcorp
Classification: Uncertain significance for Autosomal recessive limb-girdle muscular dystrophy type 2Q; Epidermolysis bullosa simplex, Ogna type; Epidermolysis bullosa simplex with nail dystrophy; Epidermolysis bullosa simplex 5C, with pyloric atresia; Epidermolysis bullosa simplex 5B, with muscular dystrophy. Last evaluated: 2025-09-25. Review status: criteria provided, single submitter. Criteria: Invitae Variant Classification Sherloc (09022015). Collection method: clinical testing. Allele origin: germline.
Comment: This sequence change replaces glycine, which is neutral and non-polar, with serine, which is neutral and polar, at codon 4519 of the PLEC protein (p.Gly4519Ser). This variant is present in population databases (rs781954922, gnomAD 0.03%). This variant has not been reported in the literature in individuals affected with PLEC-related conditions. ClinVar contains an entry for this variant (Variation ID: 593596). An algorithm developed to predict the effect of missense changes on protein structure and function outputs the following: PolyPhen-2: "Not Available". The serine amino acid residue is found in multiple mammalian species, which suggests that this missense change does not adversely affect protein function. In summary, the available evidence is currently insufficient to determine the role of this variant in disease. Therefore, it has been classified as a Variant of Uncertain Significance.

Eurofins Ntd Llc (ga)
Classification: Uncertain significance. Last evaluated: 2017-08-10. Review status: criteria provided, single submitter. Criteria: EGL Classification Definitions 2015. Collection method: clinical testing. Allele origin: germline. Observed: 1 variant allele, 1 heterozygote.

Breakthrough Genomics
Classification: Uncertain significance. Review status: criteria provided, single submitter. Criteria: ACMG Guidelines, 2015. Collection method: not provided. Allele origin: germline. Inheritance: Autosomal recessive inheritance. Affected: yes.

NM_201384.3(PLEC):c.13474G>A (p.Gly4492Ser)

Gene: PLEC (plectin; minus strand). Cytogenetic location: 8q24.3.
Variant type: single nucleotide variant.
Coding change: c.13474G>A on transcript NM_201384.3 (MANE Select); coding-DNA position 13474, G replaced by A.
Protein change: p.Gly4492Ser; replaces glycine 4492 with serine.
Molecular consequence: missense variant.
Genome position (GRCh38, 1-based): chr8:143,916,347, C>T on the plus strand (G>A on the coding strand, the complement: PLEC is on the minus strand). VCF-style: chr8-143916347-C-T. GRCh37 (hg19) VCF-style: chr8-144990515-C-T.
Other names: c.13555G>A, p.Gly4519Ser (NM_000445.5); c.13432G>A, p.Gly4478Ser (NM_201378.4); c.13408G>A, p.Gly4470Ser (NM_201379.3); c.13885G>A, p.Gly4629Ser (NM_201380.4); c.13378G>A, p.Gly4460Ser (NM_201381.3); c.13474G>A, p.Gly4492Ser (NM_201382.4); c.13486G>A, p.Gly4496Ser (NM_201383.3); short protein forms G4478S, G4496S, G4629S, G4460S, G4470S, G4492S, G4519S.
Identifiers: ClinVar variation 593596 (VCV000593596.12), dbSNP rs781954922, ClinGen allele CA4923793.